The following is an entry in ClinVar:

NM_173477.5(USH1G):c.1220T>G (p.Leu407Arg)

Gene: USH1G (USH1 protein network component sans; minus strand). Cytogenetic location: 17q25.1.
Variant type: single nucleotide variant.
Coding change: c.1220T>G on transcript NM_173477.5 (MANE Select); coding-DNA position 1220, T replaced by G.
Protein change: p.Leu407Arg; replaces leucine 407 with arginine.
Molecular consequence: missense variant.
Genome position (GRCh38, 1-based): chr17:74,919,616, A>C on the plus strand (T>G on the coding strand, the complement: USH1G is on the minus strand). VCF-style: chr17-74919616-A-C. GRCh37 (hg19) VCF-style: chr17-72915711-A-C.
Other names: c.911T>G, p.Leu304Arg (NM_001282489.3); short protein forms L304R, L407R.
Identifiers: ClinVar variation 1464310 (VCV001464310.6), dbSNP rs2038908629, ClinGen allele CA400961423.
Genomic context (GRCh38, chr17:74,919,616, plus strand): 5'-CGGAGGTCGAGGTCAGAGCACAGCATCAAAGCCTCGAGGTCGATCTTCTCCTGCCGCAGG[A>C]GGGCGGCAAAGTCCTCCATGTGCAGAGAGGCCAGGAAGGTCTCCAGCGGGCTAGTCTCGG-3'
Protein context (NP_775748.2, residues 397-417): ASLHMEDFAA[Leu407Arg]LRQEKIDLEA

ClinVar aggregate classification (germline): Uncertain significance (1 of 4 stars; one submission).

Allele frequency attached by ClinVar (database versions not stated): TOPMed below 0.00001.

Submission:

Labcorp Genetics (formerly Invitae), Labcorp
Classification: Uncertain significance. Last evaluated: 2023-11-06. Review status: criteria provided, single submitter. Criteria: Invitae Variant Classification Sherloc (09022015). Collection method: clinical testing. Allele origin: germline.
Comment: This sequence change replaces leucine with arginine at codon 407 of the USH1G protein (p.Leu407Arg). The leucine residue is moderately conserved and there is a moderate physicochemical difference between leucine and arginine. This variant is not present in population databases (gnomAD no frequency). This variant has not been reported in the literature in individuals affected with USH1G-related conditions. ClinVar contains an entry for this variant (Variation ID: 1464310). Advanced modeling of protein sequence and biophysical properties (such as structural, functional, and spatial information, amino acid conservation, physicochemical variation, residue mobility, and thermodynamic stability) performed at Invitae indicates that this missense variant is not expected to disrupt USH1G protein function with a negative predictive value of 80%. In summary, the available evidence is currently insufficient to determine the role of this variant in disease. Therefore, it has been classified as a Variant of Uncertain Significance.